The following is an entry in ClinVar:

ClinVar aggregate classification (germline): Benign/Likely benign. Review status: criteria provided, multiple submitters, no conflicts (2 of 4 stars). 6 submissions from 6 submitters: Benign (1); Likely benign (5). Last evaluated 2026-05-20.

Conditions:
NF1-related disorder. Also called: NF1-related condition. Identifiers: MedGen CN379171.
Hereditary cancer-predisposing syndrome. Also called: Neoplastic Syndromes, Hereditary; Tumor predisposition; Hereditary Cancer Syndrome; Hereditary neoplastic syndrome. Identifiers: Orphanet 140162, MedGen C0027672, MeSH D009386, MONDO:0015356.
Neurofibromatosis, type 1 (NF1). Also called: NEUROFIBROMATOSIS, TYPE I, SOMATIC; Peripheral type neurofibromatosis; Neurofibromatosis, type I; VON RECKLINGHAUSEN DISEASE. Identifiers: Orphanet 636, MedGen C0027831, MONDO:0018975, OMIM 162200. Disease mechanism: loss of function.

Allele frequency attached by ClinVar (database versions not stated): gnomAD 0.00001; gnomAD exomes 0.00002; TOPMed 0.00002; ExAC 0.00003.
gnomAD v4.1: 13 of 1,614,046 alleles (0.00081%); highest among the groups gnomAD compares: Middle Eastern, 0.016%; no homozygotes.

Submissions (6):

Myriad Genetics, Inc.
Classification: Benign for Neurofibromatosis, type 1. Last evaluated: 2026-05-20. Review status: criteria provided, single submitter. Criteria: Myriad Autosomal Dominant, Autosomal Recessive and X-Linked Classification Criteria (2023). Collection method: clinical testing. Allele origin: unknown.
Comment: This variant is considered benign. This variant is a silent/synonymous amino acid change and it is not expected to impact splicing.

PreventionGenetics, part of Exact Sciences
Classification: Likely benign for NF1-related condition. Last evaluated: 2026-04-14. Review status: criteria provided, single submitter. Criteria: ACMG Guidelines, 2015. Collection method: clinical testing. Allele origin: germline.
Comment: This variant is classified as likely benign based on ACMG/AMP sequence variant interpretation guidelines (Richards et al. 2015 PMID: 25741868, with internal and published modifications).

Labcorp Genetics (formerly Invitae), Labcorp
Classification: Likely benign for Neurofibromatosis, type 1. Last evaluated: 2025-12-09. Review status: criteria provided, single submitter. Criteria: Invitae Variant Classification Sherloc (09022015). Collection method: clinical testing. Allele origin: germline.

Blueprint Genetics
Classification: Likely benign. Last evaluated: 2024-05-20. Review status: criteria provided, single submitter. Criteria: ACMG Guidelines, 2015. Collection method: clinical testing. Allele origin: germline.

Genome-Nilou Lab
Classification: Likely benign for Neurofibromatosis, type 1. Last evaluated: 2022-03-15. Review status: criteria provided, single submitter. Criteria: ACMG Guidelines, 2015. Collection method: clinical testing. Allele origin: germline. Affected: no.

Ambry Genetics
Classification: Likely benign for Hereditary cancer-predisposing syndrome. Last evaluated: 2015-03-30. Review status: criteria provided, single submitter. Criteria: Ambry Autosomal Dominant and X-Linked criteria (10/2015). Collection method: clinical testing. Allele origin: germline. Observed: 1 variant allele.

NM_001042492.3(NF1):c.5025C>T (p.Ser1675=)

Gene: NF1 (neurofibromin 1; plus strand). Cytogenetic location: 17q11.2.
Variant type: single nucleotide variant.
Coding change: c.5025C>T on transcript NM_001042492.3 (MANE Select); coding-DNA position 5025, C replaced by T.
Protein change: p.Ser1675=; no amino-acid change (serine 1675 retained).
Molecular consequence: synonymous variant.
Genome position (GRCh38, 1-based): chr17:31,326,009, C>T. VCF-style: chr17-31326009-C-T. GRCh37 (hg19) VCF-style: chr17-29653027-C-T.
Other names: c.4962C>T, p.Ser1654= (NM_000267.4).
Identifiers: ClinVar variation 231121 (VCV000231121.16), dbSNP rs17878418, ClinGen allele CA8487127.